The following is an entry in ClinVar:

NM_198253.3(TERT):c.1786G>T (p.Val596Leu)

Gene: TERT (telomerase reverse transcriptase; minus strand). Cytogenetic location: 5p15.33.
Variant type: single nucleotide variant.
Coding change: c.1786G>T on transcript NM_198253.3 (MANE Select); coding-DNA position 1786, G replaced by T.
Protein change: p.Val596Leu; replaces valine 596 with leucine.
Molecular consequence: missense variant. On other transcripts: non-coding transcript variant (2).
Genome position (GRCh38, 1-based): chr5:1,280,322, C>A on the plus strand (G>T on the coding strand, the complement: TERT is on the minus strand). VCF-style: chr5-1280322-C-A. GRCh37 (hg19) VCF-style: chr5-1280437-C-A.
Other names: c.1786G>T, p.Val596Leu (NM_001193376.3); short protein forms V596L.
Identifiers: ClinVar variation 471831 (VCV000471831.10), dbSNP rs1554041101, ClinGen allele CA359082087.
Genomic context (GRCh38, chr5:1,280,322, plus strand): 5'-GGGCGGGCCTGGCTTCCCGATGCTGCCTGACCTCTGCTTCCGACAGCTCCCGCAGCTGCA[C>A]CCTCTTCAAGTGCTGTCTGCAATAGAGAGCCCCTCAGGAGGCTTGCTCAGCCAGACAACA-3'
Protein context (NP_937983.2, residues 586-606): SIGIRQHLKR[Val596Leu]QLRELSEAEV

ClinVar aggregate classification (germline): Uncertain significance (1 of 4 stars; one submission).

Conditions:
Dyskeratosis congenita, autosomal dominant 2. Identifiers: MedGen C3151443, MONDO:0013521, OMIM 613989.
Idiopathic Pulmonary Fibrosis. Also called: Idiopathic fibrosing alveolitis, chronic form; idiopathic fibrosing alveolitis. Identifiers: Orphanet 2032, MedGen C1800706, MeSH D054990, MONDO:0800504.

Submission:

Labcorp Genetics (formerly Invitae), Labcorp
Classification: Uncertain significance for Dyskeratosis congenita, autosomal dominant 2; Idiopathic Pulmonary Fibrosis. Last evaluated: 2018-09-12. Review status: criteria provided, single submitter. Criteria: Invitae Variant Classification Sherloc (09022015). Collection method: clinical testing. Allele origin: germline.
Comment: In summary, this variant is a novel missense change with uncertain impact on protein function. It has been classified as a Variant of Uncertain Significance. Algorithms developed to predict the effect of missense changes on protein structure and function do not agree on the potential impact of this missense change (SIFT: "Tolerated"; PolyPhen-2: "Possibly Damaging"; Align-GVGD: "Class C0"). This variant is not present in population databases (ExAC no frequency) and has not been reported in the literature in individuals with a TERT-related disease. This sequence change replaces valine with leucine at codon 596 of the TERT protein (p.Val596Leu). The valine residue is moderately conserved and there is a small physicochemical difference between valine and leucine.